The following is an entry in ClinVar:

NM_001849.4(COL6A2):c.2159G>A (p.Arg720His)

Gene: COL6A2 (collagen type VI alpha 2 chain; plus strand). Cytogenetic location: 21q22.3.
Variant type: single nucleotide variant.
Coding change: c.2159G>A on transcript NM_001849.4 (MANE Select); coding-DNA position 2159, G replaced by A.
Protein change: p.Arg720His; replaces arginine 720 with histidine.
Molecular consequence: missense variant.
Genome position (GRCh38, 1-based): chr21:46,125,974, G>A. VCF-style: chr21-46125974-G-A. GRCh37 (hg19) VCF-style: chr21-47545888-G-A.
Other names: c.2159G>A (NM_001849.3); c.2159G>A, p.Arg720His (NM_058174.3, NM_058175.3); short protein forms R720H.
Identifiers: ClinVar variation 283333 (VCV000283333.16), dbSNP rs145140058, ClinGen allele CA10072455.

ClinVar aggregate classification (germline): Uncertain significance. Review status: criteria provided, multiple submitters, no conflicts (2 of 4 stars). 4 submissions from 4 submitters: Uncertain significance (4). Last evaluated 2025-09-01.

Conditions:
Bethlem myopathy 1A. Also called: Bethlem myopathy 1; MYOPATHY, BENIGN CONGENITAL, WITH CONTRACTURES; Bethlem Muscular Dystrophy. Identifiers: Orphanet 610, MedGen CN029274, MONDO:0024530, OMIM 158810.
Inborn genetic diseases. Identifiers: MedGen C0950123, MeSH D030342.

Allele frequency attached by ClinVar (database versions not stated): gnomAD 0.00003 and 0.00004; gnomAD exomes 0.00003 and 0.00005; TOPMed 0.00004; ExAC 0.00009; ESP Exome Variant Server 0.00015.
gnomAD v4.1: 54 of 1,612,968 alleles (0.0033%); highest among the groups gnomAD compares: Middle Eastern, 0.016%; no homozygotes.

Submissions (4):

Labcorp Genetics (formerly Invitae), Labcorp
Classification: Uncertain significance for Bethlem myopathy 1A. Last evaluated: 2025-09-01. Review status: criteria provided, single submitter. Criteria: Invitae Variant Classification Sherloc (09022015). Collection method: clinical testing. Allele origin: germline.
Comment: This sequence change replaces arginine, which is basic and polar, with histidine, which is basic and polar, at codon 720 of the COL6A2 protein (p.Arg720His). This variant is present in population databases (rs145140058, gnomAD 0.01%). This variant has not been reported in the literature in individuals affected with COL6A2-related conditions. ClinVar contains an entry for this variant (Variation ID: 283333). Invitae Evidence Modeling of protein sequence and biophysical properties (such as structural, functional, and spatial information, amino acid conservation, physicochemical variation, residue mobility, and thermodynamic stability) indicates that this missense variant is expected to disrupt COL6A2 protein function with a positive predictive value of 80%. In summary, the available evidence is currently insufficient to determine the role of this variant in disease. Therefore, it has been classified as a Variant of Uncertain Significance.

Ambry Genetics
Classification: Uncertain significance for Inborn genetic diseases. Last evaluated: 2025-08-04. Review status: criteria provided, single submitter. Criteria: Ambry Variant Classification Scheme 2023. Collection method: clinical testing. Allele origin: germline.

Revvity Omics, Revvity
Classification: Uncertain significance. Last evaluated: 2022-09-21. Review status: criteria provided, single submitter. Criteria: ACMG Guidelines, 2015. Collection method: clinical testing. Allele origin: germline.

Eurofins Ntd Llc (ga)
Classification: Uncertain significance. Last evaluated: 2015-09-15. Review status: criteria provided, single submitter. Criteria: EGL Classification Definitions 2015. Collection method: clinical testing. Allele origin: germline. Observed: 1 variant allele, 1 heterozygote.